The following is an entry in ClinVar:

ClinVar aggregate classification (germline): Uncertain significance (1 of 4 stars; one submission).

Conditions:
Severe combined immunodeficiency, autosomal recessive, T cell-negative, B cell-negative, NK cell-positive. Also called: SCID, T CELL-NEGATIVE, B CELL-NEGATIVE, NK CELL-POSITIVE; Severe combined immunodeficiency due to complete RAG1/2 deficiency; SCID, AR, T-cell negative, B-cell negative, NK cell-positive. Identifiers: Orphanet 331206, MedGen C1832322, MONDO:0011086, OMIM 601457.
Combined immunodeficiency with skin granulomas. Identifiers: Orphanet 157949, MedGen C2673536, MONDO:0009306, OMIM 233650.

Submission:

Labcorp Genetics (formerly Invitae), Labcorp
Classification: Uncertain significance for Combined immunodeficiency with skin granulomas; Severe combined immunodeficiency, autosomal recessive, T cell-negative, B cell-negative, NK cell-positive. Last evaluated: 2021-01-05. Review status: criteria provided, single submitter. Criteria: Invitae Variant Classification Sherloc (09022015). Collection method: clinical testing. Allele origin: germline.
Comment: Advanced modeling of protein sequence and biophysical properties (such as structural, functional, and spatial information, amino acid conservation, physicochemical variation, residue mobility, and thermodynamic stability) performed at Invitae indicates that this missense variant is not expected to disrupt RAG2 protein function. In summary, the available evidence is currently insufficient to determine the role of this variant in disease. Therefore, it has been classified as a Variant of Uncertain Significance. This variant has not been reported in the literature in individuals with RAG2-related conditions. This sequence change replaces aspartic acid with glutamic acid at codon 527 of the RAG2 protein (p.Asp527Glu). The aspartic acid residue is highly conserved and there is a small physicochemical difference between aspartic acid and glutamic acid. This variant is not present in population databases (ExAC no frequency).

NM_000536.4(RAG2):c.1581T>G (p.Asp527Glu)

Gene: RAG2 (recombination activating 2; minus strand). Cytogenetic location: 11p12.
Variant type: single nucleotide variant.
Coding change: c.1581T>G on transcript NM_000536.4 (MANE Select); coding-DNA position 1581, T replaced by G.
Protein change: p.Asp527Glu; replaces aspartic acid 527 with glutamic acid.
Molecular consequence: missense variant.
Genome position (GRCh38, 1-based): chr11:36,592,588, A>C on the plus strand (T>G on the coding strand, the complement: RAG2 is on the minus strand). VCF-style: chr11-36592588-A-C. GRCh37 (hg19) VCF-style: chr11-36614138-A-C.
Other names: c.1581T>G, p.Asp527Glu (NM_001243785.2, NM_001243786.2); short protein forms D527E.
Identifiers: ClinVar variation 1401136 (VCV001401136.8), dbSNP rs1851039632, ClinGen allele CA380140051.